The following is an entry in ClinVar:

NM_002691.4(POLD1):c.2925C>T (p.Gly975=)

Gene: POLD1 (DNA polymerase delta 1, catalytic subunit; plus strand). Cytogenetic location: 19q13.33.
Variant type: single nucleotide variant.
Coding change: c.2925C>T on transcript NM_002691.4 (MANE Select); coding-DNA position 2925, C replaced by T.
Protein change: p.Gly975=; no amino-acid change (glycine 975 retained).
Molecular consequence: synonymous variant. On other transcripts: non-coding transcript variant (1).
Genome position (GRCh38, 1-based): chr19:50,416,500, C>T. VCF-style: chr19-50416500-C-T. GRCh37 (hg19) VCF-style: chr19-50919757-C-T.
Other names: c.2925C>T, p.Gly975= (NM_001256849.1); c.3003C>T, p.Gly1001= (NM_001308632.1).
Identifiers: ClinVar variation 469307 (VCV000469307.16), dbSNP rs376743216, ClinGen allele CA9596684.

ClinVar aggregate classification (germline): Uncertain significance. Review status: criteria provided, multiple submitters, no conflicts (2 of 4 stars). 3 submissions from 3 submitters: Uncertain significance (3). Last evaluated 2025-12-19.

Conditions:
POLD1-related polyposis and colorectal cancer syndrome (CRCS10). Also called: Colorectal cancer 10; COLORECTAL CANCER, SUSCEPTIBILITY TO, ON CHROMOSOME 19q; Colorectal cancer, susceptibility to, 10. Identifiers: Orphanet 220460, MedGen C2675481, MONDO:0012953, OMIM 612591.
Hereditary cancer-predisposing syndrome. Also called: Neoplastic Syndromes, Hereditary; Hereditary neoplastic syndrome; Tumor predisposition; Hereditary Cancer Syndrome. Identifiers: Orphanet 140162, MedGen C0027672, MeSH D009386, MONDO:0015356.

Allele frequency attached by ClinVar (database versions not stated): ExAC below 0.00001; gnomAD 0.00001; TOPMed 0.00001; ESP Exome Variant Server 0.00008.
gnomAD v4.1: 8 of 1,552,124 alleles (0.00052%); highest among the groups gnomAD compares: African/African-American, 0.0014%; no homozygotes.

Submissions (3):

Labcorp Genetics (formerly Invitae), Labcorp
Classification: Uncertain significance for POLD1-related polyposis and colorectal cancer syndrome. Last evaluated: 2025-12-19. Review status: criteria provided, single submitter. Criteria: Invitae Variant Classification Sherloc (09022015). Collection method: clinical testing. Allele origin: germline.
Comment: This sequence change affects codon 975 of the POLD1 mRNA. It is a 'silent' change, meaning that it does not change the encoded amino acid sequence of the POLD1 protein. RNA analysis indicates that this variant induces altered splicing and likely results in the loss of 10 amino acid residue(s), but is expected to preserve the integrity of the reading-frame. This variant is not present in population databases (gnomAD no frequency). This variant has not been reported in the literature in individuals affected with POLD1-related conditions. ClinVar contains an entry for this variant (Variation ID: 469307). Studies have shown that this variant results in the activation of a cryptic splice site in exon 23 (internal data). In summary, the available evidence is currently insufficient to determine the role of this variant in disease. Therefore, it has been classified as a Variant of Uncertain Significance.

Ambry Genetics
Classification: Uncertain significance for Hereditary cancer-predisposing syndrome. Last evaluated: 2025-01-07. Review status: criteria provided, single submitter. Criteria: Ambry Variant Classification Scheme 2023. Collection method: clinical testing. Allele origin: germline.
Comment: The c.2925C>T variant (also known as p.G975G), located in coding exon 22 of the POLD1 gene, results from a C to T substitution at nucleotide position 2925. This nucleotide substitution does not change the glycine at codon 975. This nucleotide position is not well conserved in available vertebrate species. In silico splice site analysis predicts that this alteration may weaken the native splice donor site and will result in the creation or strengthening of a novel splice donor site. Based on the available evidence, the clinical significance of this variant remains unclear.

GeneDx
Classification: Uncertain significance. Last evaluated: 2022-04-07. Review status: criteria provided, single submitter. Criteria: GeneDx Variant Classification Process June 2021. Collection method: clinical testing. Allele origin: germline. Affected: yes.
Comment: Not observed at significant frequency in large population cohorts (gnomAD); In silico analysis supports a deleterious effect on splicing; Has not been previously published as pathogenic or benign to our knowledge